The following is an entry in ClinVar:

ClinVar aggregate classification (germline): Likely benign. Review status: criteria provided, multiple submitters, no conflicts (2 of 4 stars). 2 submissions from 2 submitters: Likely benign (2). Last evaluated 2024-06-17.

Allele frequency attached by ClinVar (database versions not stated): gnomAD exomes 0.00020; ExAC 0.00058; gnomAD 0.00228; TOPMed 0.00256; ESP Exome Variant Server 0.00262; 1000 Genomes Project 0.00339; 1000 Genomes Project 30x 0.00344.
gnomAD v4.1: 643 of 1,598,292 alleles (0.04%); highest among the groups gnomAD compares: African/African-American, 0.77%; 2 homozygotes.

Submissions (2):

Blueprint Genetics
Classification: Likely benign. Last evaluated: 2024-06-17. Review status: criteria provided, single submitter. Criteria: ACMG Guidelines, 2015. Collection method: clinical testing. Allele origin: germline.

CeGaT Center for Human Genetics Tuebingen
Classification: Likely benign. Last evaluated: 2023-10-01. Review status: criteria provided, single submitter. Criteria: CeGaT Center For Human Genetics Tuebingen Variant Classification Criteria Version 2. Collection method: clinical testing. Allele origin: germline. Affected: yes. Observed: 1 variant allele.
Comment: DDC: BP4, BP7

NM_001082971.2(DDC):c.944+2399G>A

Gene: DDC (dopa decarboxylase; minus strand). Cytogenetic location: 7p12.2.
Variant type: single nucleotide variant.
Coding change: c.944+2399G>A on transcript NM_001082971.2 (MANE Select); 2399 bases into the intron after coding-DNA position 944, G replaced by A.
Molecular consequence: intron variant. On other transcripts: synonymous variant (1).
Genome position (GRCh38, 1-based): chr7:50,492,951, C>T on the plus strand (G>A on the coding strand, the complement: DDC is on the minus strand). VCF-style: chr7-50492951-C-T. GRCh37 (hg19) VCF-style: chr7-50560649-C-T.
Other names: c.999G>A, p.Ala333= (NM_001242890.2); c.710+2399G>A (NM_001242888.2); c.830+2399G>A (NM_001242886.2); c.665+2399G>A (NM_001242889.2); c.800+2399G>A (NM_001242887.2); c.944+2399G>A (NM_000790.4).
Identifiers: ClinVar variation 2657498 (VCV002657498.25), dbSNP rs114341176, ClinGen allele CA4262172.
Genomic context (GRCh38, chr7:50,492,951, plus strand): 5'-GGGGCATCAGCTCTGCGGCAGGCACTCCACGTCCCGAAAGGCTCAACTCCTTCTCACCAC[C>T]GCACTGACTAAGCAGGTTTTCTTCAGCCTTAACATACGCACTGGTTGTCTGGACCTGAGG-3'